The following is an entry in ClinVar:

NM_133459.4(CCBE1):c.*337T>G

Gene: CCBE1 (collagen and calcium binding EGF domains 1; minus strand). Cytogenetic location: 18q21.32.
Variant type: single nucleotide variant.
Coding change: c.*337T>G on transcript NM_133459.4 (MANE Select); 337 bases downstream of the stop codon, T replaced by G.
Molecular consequence: 3 prime UTR variant.
Genome position (GRCh38, 1-based): chr18:59,435,571, A>C on the plus strand (T>G on the coding strand, the complement: CCBE1 is on the minus strand). VCF-style: chr18-59435571-A-C. GRCh37 (hg19) VCF-style: chr18-57102803-A-C.
Other names: c.*337T>G (LRG_1209t1).
Identifiers: ClinVar variation 327692 (VCV000327692.5), dbSNP rs80296667, ClinGen allele CA10648036.

ClinVar aggregate classification (germline): Likely benign (1 of 4 stars; one submission).

Conditions:
Hennekam lymphangiectasia-lymphedema syndrome 1 (HKLLS1). Also called: LYMPHATIC DYSPLASIA, GENERALIZED. Identifiers: Orphanet 2136, MedGen C4012050, MONDO:0009337, OMIM 235510.

Allele frequency attached by ClinVar (database versions not stated): gnomAD exomes 0.00048; 1000 Genomes Project 30x 0.00281; 1000 Genomes Project 0.00319; gnomAD 0.00354 and 0.00389; TOPMed 0.00395.
gnomAD v4.1: 625 of 338,564 alleles (0.18%); highest among the groups gnomAD compares: African/African-American, 1.2%; 2 homozygotes.

Submission:

Illumina Laboratory Services, Illumina
Classification: Likely benign for Hennekam lymphangiectasia-lymphedema syndrome 1. Last evaluated: 2018-01-12. Review status: criteria provided, single submitter. Criteria: ICSL Variant Classification Criteria 13 December 2019. Collection method: clinical testing. Allele origin: germline.
Comment: This variant was observed in the ICSL laboratory as part of a predisposition screen in an ostensibly healthy population. It had not been previously curated by ICSL or reported in the Human Gene Mutation Database (HGMD: prior to June 1st, 2018), and was therefore a candidate for classification through an automated scoring system. Utilizing variant allele frequency, disease prevalence and penetrance estimates, and inheritance mode, an automated score was calculated to assess if this variant is too frequent to cause the disease. Based on the score and internal cut-off values, a variant classified as likely benign is not then subjected to further curation. The score for this variant resulted in a classification of likely benign for this disease.